The following is an entry in ClinVar:

ClinVar aggregate classification (germline): Likely pathogenic (1 of 4 stars; one submission).

Conditions:
Fabry disease. Also called: ALPHA-GALACTOSIDASE A DEFICIENCY; ANDERSON-FABRY DISEASE; CERAMIDE TRIHEXOSIDASE DEFICIENCY; GLA DEFICIENCY; HEREDITARY DYSTOPIC LIPIDOSIS; Angiokeratoma corporis diffusum. Identifiers: Orphanet 324, MedGen C0002986, MONDO:0010526, OMIM 301500, HP:0001071. Disease mechanism: Fabry disease is due to inactivating mutations in the X-linked GLA gene resulting in deficiency of the enzyme Alpha Galactosidase-A., loss of function.

Submission:

Genomenon, Inc
Classification: Likely pathogenic for Fabry disease. Last evaluated: 2026-09-08. Review status: criteria provided, single submitter. Criteria: Genomenon Sequence Variant Interpretation Standards - Updated. Collection method: curation. Allele origin: germline. Affected: yes.
Comment: GLA p.Asp153del (c.457_459del) is an in-frame deletion that results in the loss of Aspartic acid at codon 153. This variant has been observed in at least one proband with clinical features consistent with Fabry disease (PMID:32127409;16595074). At least one functional study has demonstrated a substantial alteration in protein function relative to the wild-type (PMID:27657681). It is absent or not present at a significant frequency in gnomAD. In conclusion, we classify GLA p.Asp153del (c.457_459del) as a likely pathogenic variant.

Literature cited by the submitters: PubMed 32127409; PubMed 16595074; PubMed 27657681.

NM_000169.3(GLA):c.457_459del (p.Asp153del)

Genes: GLA (galactosidase alpha; minus strand), RPL36A-HNRNPH2 (RPL36A-HNRNPH2 readthrough; plus strand). Cytogenetic location: Xq22.1.
Variant type: Deletion.
Coding change: c.457_459del on transcript NM_000169.3 (MANE Select); coding-DNA positions 457 to 459, 3 bases deleted (GAC; older notation c.457_459delGAC).
Protein change: p.Asp153del; deletes aspartic acid 153.
Molecular consequence: inframe deletion. On other transcripts: non-coding transcript variant (3), intron variant (2).
Genome position (GRCh38, 1-based): chrX:101,401,720-101,401,722, GTC deleted on the plus strand (GAC on the coding strand, the reverse complement: GLA is on the minus strand); deleting any 3 consecutive bases within chrX:101,401,720-101,401,724 gives the same sequence; the c. name uses the placement nearest the transcript's 3' end. VCF-style (leftmost placement, unchanged base first): chrX-101401719-TGTC-T. GRCh37 (hg19) VCF-style: chrX-100656707-TGTC-T.
Other names: c.580_582del, p.Asp194del (NM_001406747.1, NM_001406749.1); c.457_459del, p.Asp153del (NM_001406748.1); c.300+6265_300+6267del (NM_001199973.2); c.177+9900_177+9902del (NM_001199974.2); short protein forms D153del, D194del.
Identifiers: ClinVar variation 4087079 (VCV004087079.2), dbSNP rs869312306.